The following is an entry in ClinVar:

ClinVar aggregate classification (germline): Uncertain significance. Review status: criteria provided, multiple submitters, no conflicts (2 of 4 stars). 3 submissions from 3 submitters: Uncertain significance (3). Last evaluated 2025-11-30.

Conditions:
Hereditary cancer-predisposing syndrome. Also called: Neoplastic Syndromes, Hereditary; Hereditary Cancer Syndrome; Tumor predisposition; Hereditary neoplastic syndrome. Identifiers: Orphanet 140162, MedGen C0027672, MeSH D009386, MONDO:0015356.

Allele frequency attached by ClinVar (database versions not stated): gnomAD exomes below 0.00001; TOPMed below 0.00001.
gnomAD v4.1: 1 of 1,614,090 alleles (0.000062%); highest among the groups gnomAD compares: Non-Finnish European, 0.000085%; no homozygotes.

Submissions (3):

Labcorp Genetics (formerly Invitae), Labcorp
Classification: Uncertain significance. Last evaluated: 2025-11-30. Review status: criteria provided, single submitter. Criteria: Invitae Variant Classification Sherloc (09022015). Collection method: clinical testing. Allele origin: germline.
Comment: This sequence change replaces glutamic acid, which is acidic and polar, with glycine, which is neutral and non-polar, at codon 2058 of the POLE protein (p.Glu2058Gly). This variant is not present in population databases (gnomAD no frequency). This variant has not been reported in the literature in individuals affected with POLE-related conditions. ClinVar contains an entry for this variant (Variation ID: 574957). Invitae Evidence Modeling of protein sequence and biophysical properties (such as structural, functional, and spatial information, amino acid conservation, physicochemical variation, residue mobility, and thermodynamic stability) indicates that this missense variant is not expected to disrupt POLE protein function with a negative predictive value of 80%. In summary, the available evidence is currently insufficient to determine the role of this variant in disease. Therefore, it has been classified as a Variant of Uncertain Significance.

Ambry Genetics
Classification: Uncertain significance for Hereditary cancer-predisposing syndrome. Last evaluated: 2025-03-06. Review status: criteria provided, single submitter. Criteria: Ambry Variant Classification Scheme 2023. Collection method: clinical testing. Allele origin: germline.
Comment: The p.E2058G variant (also known as c.6173A>G), located in coding exon 45 of the POLE gene, results from an A to G substitution at nucleotide position 6173. The glutamic acid at codon 2058 is replaced by glycine, an amino acid with similar properties. This amino acid position is highly conserved in available vertebrate species. In addition, the in silico prediction for this alteration is inconclusive. Based on the available evidence, the clinical significance of this variant remains unclear.

GeneDx
Classification: Uncertain significance. Last evaluated: 2024-02-07. Review status: criteria provided, single submitter. Criteria: GeneDx Variant Classification Process June 2021. Collection method: clinical testing. Allele origin: germline. Affected: yes.
Comment: Not observed at significant frequency in large population cohorts (gnomAD); In silico analysis supports that this missense variant has a deleterious effect on protein structure/function; Has not been previously published as pathogenic or benign to our knowledge

NM_006231.4(POLE):c.6173A>G (p.Glu2058Gly)

Gene: POLE (DNA polymerase epsilon, catalytic subunit; minus strand). Cytogenetic location: 12q24.33.
Variant type: single nucleotide variant.
Coding change: c.6173A>G on transcript NM_006231.4 (MANE Select); coding-DNA position 6173, A replaced by G.
Protein change: p.Glu2058Gly; replaces glutamic acid 2058 with glycine.
Molecular consequence: missense variant.
Genome position (GRCh38, 1-based): chr12:132,632,472, T>C on the plus strand (A>G on the coding strand, the complement: POLE is on the minus strand). VCF-style: chr12-132632472-T-C. GRCh37 (hg19) VCF-style: chr12-133209058-T-C.
Other names: short protein forms E2058G.
Identifiers: ClinVar variation 574957 (VCV000574957.16), dbSNP rs908335718, ClinGen allele CA246292897.
Genomic context (GRCh38, chr12:132,632,472, plus strand): 5'-CGAGAGCCTGTGACTTTCTTCTGAATCTTCTGAGTGATGGTGAAGAAGCTCTGAGTGAGC[T>C]CATTTGCGACATAATCCTGAGAGAAGGTGATCATTCCTGGAAGTATAAGGATGCTGAGGG-3'
Protein context (NP_006222.2, residues 2048-2068): ITFSQDYVAN[Glu2058Gly]LTQSFFTITQ